The following is an entry in ClinVar:

ClinVar aggregate classification (germline): Uncertain significance (1 of 4 stars; one submission).

gnomAD v4.1: 3 of 1,613,958 alleles (0.00019%); highest among the groups gnomAD compares: Non-Finnish European, 0.00017%; no homozygotes.

Submission:

Labcorp Genetics (formerly Invitae), Labcorp
Classification: Uncertain significance. Last evaluated: 2025-09-03. Review status: criteria provided, single submitter. Criteria: Invitae Variant Classification Sherloc (09022015). Collection method: clinical testing. Allele origin: germline.
Comment: This sequence change replaces leucine, which is neutral and non-polar, with valine, which is neutral and non-polar, at codon 1117 of the FN1 protein (p.Leu1117Val). This variant is not present in population databases (gnomAD no frequency). This variant has not been reported in the literature in individuals affected with FN1-related conditions. An algorithm developed to predict the effect of missense changes on protein structure and function (PolyPhen-2) suggests that this variant is likely to be disruptive. In summary, the available evidence is currently insufficient to determine the role of this variant in disease. Therefore, it has been classified as a Variant of Uncertain Significance.

NM_212482.4(FN1):c.3349C>G (p.Leu1117Val)

Gene: FN1 (fibronectin 1; minus strand). Cytogenetic location: 2q35.
Variant type: single nucleotide variant.
Coding change: c.3349C>G on transcript NM_212482.4 (MANE Select); coding-DNA position 3349, C replaced by G.
Protein change: p.Leu1117Val; replaces leucine 1117 with valine.
Molecular consequence: missense variant.
Genome position (GRCh38, 1-based): chr2:215,397,848, G>C on the plus strand (C>G on the coding strand, the complement: FN1 is on the minus strand). VCF-style: chr2-215397848-G-C. GRCh37 (hg19) VCF-style: chr2-216262571-G-C.
Other names: c.3349C>G, p.Leu1117Val (NM_001306129.2, NM_001306130.2, NM_001306131.2 and 13 more transcripts); short protein forms L1117V.
Identifiers: ClinVar variation 4765078 (VCV004765078.1).